The following is an entry in ClinVar:

NM_016222.4(DDX41):c.1439A>G (p.Glu480Gly)

Gene: DDX41 (DEAD-box helicase 41; minus strand). Cytogenetic location: 5q35.3.
Variant type: single nucleotide variant.
Coding change: c.1439A>G on transcript NM_016222.4 (MANE Select); coding-DNA position 1439, A replaced by G.
Protein change: p.Glu480Gly; replaces glutamic acid 480 with glycine.
Molecular consequence: missense variant.
Genome position (GRCh38, 1-based): chr5:177,512,606, T>C on the plus strand (A>G on the coding strand, the complement: DDX41 is on the minus strand). VCF-style: chr5-177512606-T-C. GRCh37 (hg19) VCF-style: chr5-176939607-T-C.
Other names: c.1061A>G, p.Glu354Gly (NM_001321732.2, NM_001321830.2); short protein forms E480G, E354G.
Identifiers: ClinVar variation 4010355 (VCV004010355.1).
Genomic context (GRCh38, chr5:177,512,606, plus strand): 5'-GCAGGGAAGTCCAGGCCCTTGGAGGCAACGTCTGTGGCTACTAGGACATCCTTCTTGCCC[T>C]CCCGGAATGCCTCGATGGCCTTAGTCCGTTCCTCCTGGTCTGGGGAGGGTCAGGCAGACA-3'
Protein context (NP_057306.2, residues 470-490): ERTKAIEAFR[Glu480Gly]GKKDVLVATD

ClinVar aggregate classification (germline): Uncertain significance (1 of 4 stars; one submission).

Conditions:
Inborn genetic diseases. Identifiers: MedGen C0950123, MeSH D030342.

Submission:

Ambry Genetics
Classification: Uncertain significance for Inborn genetic diseases. Last evaluated: 2025-05-10. Review status: criteria provided, single submitter. Criteria: Ambry Variant Classification Scheme 2023. Collection method: clinical testing. Allele origin: germline.
Comment: The p.E480G variant (also known as c.1439A>G), located in coding exon 14 of the DDX41 gene, results from an A to G substitution at nucleotide position 1439. The glutamic acid at codon 480 is replaced by glycine, an amino acid with similar properties. This amino acid position is conserved. In addition, the in silico prediction for this alteration is inconclusive. Based on the available evidence, the clinical significance of this variant remains unclear.